The following is an entry in ClinVar:

ClinVar aggregate classification (germline): Pathogenic (1 of 4 stars; one submission).

Conditions:
TP63-Related Spectrum Disorders.

Submission:

Labcorp Genetics (formerly Invitae), Labcorp
Classification: Pathogenic. Last evaluated: 2024-05-08. Review status: criteria provided, single submitter. Criteria: Invitae Variant Classification Sherloc (09022015). Collection method: clinical testing. Allele origin: germline.
Comment: This sequence change creates a premature translational stop signal (p.Pro219Thrfs*17) in the TP63 gene. It is expected to result in an absent or disrupted protein product. Loss-of-function variants in TP63 are known to be pathogenic (PMID: 18626511, 23463580). This variant is not present in population databases (gnomAD no frequency). This variant has not been reported in the literature in individuals affected with TP63-related conditions. Algorithms developed to predict the effect of sequence changes on RNA splicing suggest that this variant may create or strengthen a splice site. For these reasons, this variant has been classified as Pathogenic.

Literature cited by the submitters: PubMed 18626511; PubMed 23463580.

NM_003722.5(TP63):c.653dup (p.Pro219fs)

Gene: TP63 (tumor protein p63; plus strand). Cytogenetic location: 3q28.
Variant type: Duplication.
Coding change: c.653dup on transcript NM_003722.5 (MANE Select); coding-DNA position 653, one base duplicated (C; older notation c.653dupC).
Protein change: p.Pro219fs; shifts the reading frame from proline 219.
Molecular consequence: frameshift variant.
Genome position (GRCh38, 1-based): chr3:189,864,305, C duplicated; the last of 4 consecutive C bases (chr3:189,864,302-189,864,305); duplicating any one gives the same sequence. VCF-style (leftmost placement, unchanged base first): chr3-189864301-A-AC. GRCh37 (hg19) VCF-style: chr3-189582090-A-AC.
Other names: c.653dup, p.Pro219fs (NM_001114978.2, NM_001114979.2, NM_001329144.2 and 1 more transcripts); c.371dup, p.Pro125fs (NM_001114980.2, NM_001114981.2, NM_001114982.2 and 2 more transcripts); c.116dup, p.Pro40fs (NM_001329146.2, NM_001329150.2); c.647dup, p.Pro217fs (NM_001329964.2); short protein forms P217fs, P40fs, P219fs, P125fs.
Identifiers: ClinVar variation 3695316 (VCV003695316.1).